The following is an entry in ClinVar:

ClinVar aggregate classification (germline): Pathogenic (1 of 4 stars; one submission).

Conditions:
Methylcobalamin deficiency type cblG (HMAG). Also called: HOMOCYSTINURIA-MEGALOBLASTIC ANEMIA, cblG TYPE; HOMOCYSTINURIA-MEGALOBLASTIC ANEMIA DUE TO DEFECT IN COBALAMIN METABOLISM, cblG COMPLEMENTATION TYPE; HOMOCYSTINURIA-MEGALOBLASTIC ANEMIA, cblG COMPLEMENTATION TYPE; Functional methionine synthase deficiency type cblG. Identifiers: Orphanet 2170, Orphanet 622, MedGen C1855128, MONDO:0009609, OMIM 250940.

Allele frequency attached by ClinVar (database versions not stated): gnomAD exomes below 0.00001; TOPMed 0.00001.
gnomAD v4.1: 1 of 1,602,530 alleles (0.000062%); highest among the groups gnomAD compares: African/African-American, 0.0013%; no homozygotes.

Submission:

Labcorp Genetics (formerly Invitae), Labcorp
Classification: Pathogenic for Methylcobalamin deficiency type cblG. Last evaluated: 2023-02-16. Review status: criteria provided, single submitter. Criteria: Invitae Variant Classification Sherloc (09022015). Collection method: clinical testing. Allele origin: germline.
Comment: For these reasons, this variant has been classified as Pathogenic. This variant has not been reported in the literature in individuals affected with MTR-related conditions. This variant is not present in population databases (gnomAD no frequency). This sequence change creates a premature translational stop signal (p.Gln918*) in the MTR gene. It is expected to result in an absent or disrupted protein product. Loss-of-function variants in MTR are known to be pathogenic (PMID: 9683607, 12068375).

Literature cited by the submitters: PubMed 9683607; PubMed 12068375.

NM_000254.3(MTR):c.2752C>T (p.Gln918Ter)

Gene: MTR (5-methyltetrahydrofolate-homocysteine methyltransferase; plus strand). Cytogenetic location: 1q43.
Variant type: single nucleotide variant.
Coding change: c.2752C>T on transcript NM_000254.3 (MANE Select); coding-DNA position 2752, C replaced by T.
Protein change: p.Gln918Ter; replaces glutamine 918 with a stop codon.
Molecular consequence: nonsense.
Genome position (GRCh38, 1-based): chr1:236,885,196, C>T. VCF-style: chr1-236885196-C-T. GRCh37 (hg19) VCF-style: chr1-237048496-C-T.
Other names: c.2599C>T, p.Gln867Ter (NM_001291939.1); c.1531C>T, p.Gln511Ter (NM_001291940.2); c.2563C>T, p.Gln855Ter (NM_001410942.1); short protein forms Q511*, Q867*, Q918*, Q855*.
Identifiers: ClinVar variation 3011237 (VCV003011237.3), dbSNP rs1665948819, ClinGen allele CA345384589.